The following is an entry in ClinVar:

NM_173630.4(RTTN):c.4303-24_4303-10del

Gene: RTTN (rotatin; minus strand). Cytogenetic location: 18q22.2.
Variant type: Deletion.
Coding change: c.4303-24_4303-10del on transcript NM_173630.4 (MANE Select); 24 bases into the intron before coding-DNA position 4303 through 10 bases into the intron before coding-DNA position 4303, 15 bases deleted (TTTTTTTTTTTTTTA).
Molecular consequence: intron variant.
Genome position (GRCh38, 1-based): chr18:70,086,694-70,086,708, TAAAAAAAAAAAAAA deleted on the plus strand (TTTTTTTTTTTTTTA on the coding strand, the reverse complement: RTTN is on the minus strand). VCF-style (leftmost placement, unchanged base first): chr18-70086693-GTAAAAAAAAAAAAAA-G. GRCh37 (hg19) VCF-style: chr18-67753929-GTAAAAAAAAAAAAAA-G.
Other names: c.1567-24_1567-10del (NM_001318520.2).
Identifiers: ClinVar variation 3349417 (VCV003349417.2).

ClinVar aggregate classification (germline): Likely benign. Review status: criteria provided, single submitter (1 of 4 stars). 2 submissions from 2 submitters: Likely benign (1). 1 of the submissions does not count toward it. Last evaluated 2025-09-10.

Conditions:
Microcephalic primordial dwarfism due to RTTN deficiency (MSSP). Also called: Microcephaly, short stature, and polymicrogyria with or without seizures; MICROCEPHALY, SHORT STATURE, AND POLYMICROGYRIA. Identifiers: Orphanet 468631, MedGen C3553831, MONDO:0018764, OMIM 614833.
RTTN-related disorder. Also called: RTTN-related condition.

Submissions (2):

Genomic Medicine Center of Excellence, King Faisal Specialist Hospital and Research Centre
Classification: Likely benign for Microcephalic primordial dwarfism due to RTTN deficiency. Last evaluated: 2025-09-10. Review status: criteria provided, single submitter. Criteria: ACMG Guidelines, 2015. Collection method: clinical testing. Allele origin: germline.

PreventionGenetics, part of Exact Sciences
Classification: Likely benign for RTTN-related condition. Last evaluated: 2024-09-06. Review status: no assertion criteria provided. Collection method: clinical testing. Allele origin: germline. Not counted in ClinVar's aggregate classification.
Comment: This variant is classified as likely benign based on ACMG/AMP sequence variant interpretation guidelines (Richards et al. 2015 PMID: 25741868, with internal and published modifications).